The following is an entry in ClinVar:

ClinVar aggregate classification (germline): Pathogenic (1 of 4 stars; one submission).

Submission:

Labcorp Genetics (formerly Invitae), Labcorp
Classification: Pathogenic. Last evaluated: 2026-01-17. Review status: criteria provided, single submitter. Criteria: Invitae Variant Classification Sherloc (09022015). Collection method: clinical testing. Allele origin: germline.
Comment: This sequence change creates a premature translational stop signal (p.Gly1329Argfs*2) in the COL4A1 gene. It is expected to result in an absent or disrupted protein product. Loss-of-function variants in COL4A1 are known to be pathogenic (PMID: 23225343). This variant is not present in population databases (gnomAD no frequency). This variant has not been reported in the literature in individuals affected with COL4A1-related conditions. For these reasons, this variant has been classified as Pathogenic.

Literature cited by the submitters: PubMed 23225343.

NM_001845.6(COL4A1):c.3984dup (p.Gly1329fs)

Gene: COL4A1 (collagen type IV alpha 1 chain; minus strand). Cytogenetic location: 13q34.
Variant type: Duplication.
Coding change: c.3984dup on transcript NM_001845.6 (MANE Select); coding-DNA position 3984, one base duplicated (A; older notation c.3984dupA).
Protein change: p.Gly1329fs; shifts the reading frame from glycine 1329.
Molecular consequence: frameshift variant.
Genome position (GRCh38, 1-based): chr13:110,166,269, T duplicated on the plus strand (A on the coding strand, the reverse complement: COL4A1 is on the minus strand); the first of 3 consecutive T bases (chr13:110,166,269-110,166,271); duplicating any one gives the same sequence. VCF-style (leftmost placement, unchanged base first): chr13-110166268-C-CT. GRCh37 (hg19) VCF-style: chr13-110818615-C-CT.
Other names: short protein forms G1329fs.
Identifiers: ClinVar variation 4735518 (VCV004735518.1).